The following is an entry in ClinVar:

NM_015559.3(SETBP1):c.4217C>A (p.Ala1406Asp)

Gene: SETBP1 (SET binding protein 1; plus strand). Cytogenetic location: 18q12.3.
Variant type: single nucleotide variant.
Coding change: c.4217C>A on transcript NM_015559.3 (MANE Select); coding-DNA position 4217, C replaced by A.
Protein change: p.Ala1406Asp; replaces alanine 1406 with aspartic acid.
Molecular consequence: missense variant.
Genome position (GRCh38, 1-based): chr18:45,063,124, C>A. VCF-style: chr18-45063124-C-A. GRCh37 (hg19) VCF-style: chr18-42643089-C-A.
Other names: c.4217C>A, p.Ala1406Asp (NM_001379141.1, NM_001379142.1); short protein forms A1406D.
Identifiers: ClinVar variation 1412932 (VCV001412932.8), dbSNP rs1289886869, ClinGen allele CA402482883.

ClinVar aggregate classification (germline): Uncertain significance (1 of 4 stars; one submission).

Allele frequency attached by ClinVar (database versions not stated): gnomAD exomes below 0.00001; gnomAD 0.00001.
gnomAD v4.1: 7 of 1,613,898 alleles (0.00043%); highest among the groups gnomAD compares: South Asian, 0.0077%; no homozygotes.

Submission:

Labcorp Genetics (formerly Invitae), Labcorp
Classification: Uncertain significance. Last evaluated: 2021-03-07. Review status: criteria provided, single submitter. Criteria: Invitae Variant Classification Sherloc (09022015). Collection method: clinical testing. Allele origin: germline.
Comment: In summary, the available evidence is currently insufficient to determine the role of this variant in disease. Therefore, it has been classified as a Variant of Uncertain Significance. Algorithms developed to predict the effect of missense changes on protein structure and function are either unavailable or do not agree on the potential impact of this missense change (SIFT: "Deleterious"; PolyPhen-2: "Probably Damaging"; Align-GVGD: "Class C0"). This variant has not been reported in the literature in individuals with SETBP1-related conditions. This variant is not present in population databases (ExAC no frequency). This sequence change replaces alanine with aspartic acid at codon 1406 of the SETBP1 protein (p.Ala1406Asp). The alanine residue is moderately conserved and there is a moderate physicochemical difference between alanine and aspartic acid.